The following is an entry in ClinVar:

ClinVar aggregate classification (germline): Uncertain significance (1 of 4 stars; one submission).

Conditions:
Inborn genetic diseases. Identifiers: MedGen C0950123, MeSH D030342.

Submission:

Ambry Genetics
Classification: Uncertain significance for Inborn genetic diseases. Last evaluated: 2026-07-06. Review status: criteria provided, single submitter. Criteria: Ambry Variant Classification Scheme 2023. Collection method: clinical testing. Allele origin: germline.
Comment: The p.M1842V variant (also known as c.5524A>G), located in coding exon 44 of the CACNA1S gene, results from an A to G substitution at nucleotide position 5524. The methionine at codon 1842 is replaced by valine, an amino acid with highly similar properties. This amino acid position is conserved. In addition, this alteration is predicted to be tolerated by in silico analysis. Based on the available evidence, the clinical significance of this variant remains unclear.

NM_000069.3(CACNA1S):c.5524A>G (p.Met1842Val)

Gene: CACNA1S (calcium voltage-gated channel subunit alpha1 S; minus strand). Cytogenetic location: 1q32.1.
Variant type: single nucleotide variant.
Coding change: c.5524A>G on transcript NM_000069.3 (MANE Select); coding-DNA position 5524, A replaced by G.
Protein change: p.Met1842Val; replaces methionine 1842 with valine.
Molecular consequence: missense variant.
Genome position (GRCh38, 1-based): chr1:201,039,929, T>C on the plus strand (A>G on the coding strand, the complement: CACNA1S is on the minus strand). VCF-style: chr1-201039929-T-C. GRCh37 (hg19) VCF-style: chr1-201009057-T-C.
Other names: short protein forms M1842V.
Identifiers: ClinVar variation 5033620 (VCV005033620.1).